The following is an entry in ClinVar:

ClinVar aggregate classification (germline): Uncertain significance (1 of 4 stars; one submission).

Conditions:
Lafora disease. Also called: Progressive Myoclonus Epilepsy, Lafora Type; Epilepsy progressive myoclonic 2. Identifiers: Orphanet 501, MedGen C0751783, MONDO:0009697.

Allele frequency attached by ClinVar (database versions not stated): TOPMed 0.00001; gnomAD 0.00003.
gnomAD v4.1: 4 of 1,614,084 alleles (0.00025%); highest among the groups gnomAD compares: African/African-American, 0.0053%; no homozygotes.

Submission:

Labcorp Genetics (formerly Invitae), Labcorp
Classification: Uncertain significance for Lafora disease. Last evaluated: 2020-05-06. Review status: criteria provided, single submitter. Criteria: Invitae Variant Classification Sherloc (09022015). Collection method: clinical testing. Allele origin: germline.
Comment: This sequence change replaces leucine with valine at codon 363 of the NHLRC1 protein (p.Leu363Val). The leucine residue is highly conserved and there is a small physicochemical difference between leucine and valine. This variant is not present in population databases (ExAC no frequency). This variant has not been reported in the literature in individuals with NHLRC1-related conditions. Algorithms developed to predict the effect of missense changes on protein structure and function are either unavailable or do not agree on the potential impact of this missense change (SIFT: "Deleterious"; PolyPhen-2: "Benign"; Align-GVGD: "Class C25"). In summary, the available evidence is currently insufficient to determine the role of this variant in disease. Therefore, it has been classified as a Variant of Uncertain Significance.

NM_198586.3(NHLRC1):c.1087C>G (p.Leu363Val)

Gene: NHLRC1 (NHL repeat containing E3 ubiquitin protein ligase 1; minus strand). Cytogenetic location: 6p22.3.
Variant type: single nucleotide variant.
Coding change: c.1087C>G on transcript NM_198586.3 (MANE Select); coding-DNA position 1087, C replaced by G.
Protein change: p.Leu363Val; replaces leucine 363 with valine.
Molecular consequence: missense variant.
Genome position (GRCh38, 1-based): chr6:18,121,520, G>C on the plus strand (C>G on the coding strand, the complement: NHLRC1 is on the minus strand). VCF-style: chr6-18121520-G-C. GRCh37 (hg19) VCF-style: chr6-18121751-G-C.
Other names: short protein forms L363V.
Identifiers: ClinVar variation 1019903 (VCV001019903.9), dbSNP rs1275828844, ClinGen allele CA362824863.